The following is an entry in ClinVar:

NM_030665.4(RAI1):c.2584A>G (p.Lys862Glu)

Gene: RAI1 (retinoic acid induced 1; plus strand). Cytogenetic location: 17p11.2.
Variant type: single nucleotide variant.
Coding change: c.2584A>G on transcript NM_030665.4 (MANE Select); coding-DNA position 2584, A replaced by G.
Protein change: p.Lys862Glu; replaces lysine 862 with glutamic acid.
Molecular consequence: missense variant.
Genome position (GRCh38, 1-based): chr17:17,795,532, A>G. VCF-style: chr17-17795532-A-G. GRCh37 (hg19) VCF-style: chr17-17698846-A-G.
Other names: short protein forms K862E.
Identifiers: ClinVar variation 5001537 (VCV005001537.1).

ClinVar aggregate classification (germline): Uncertain significance (1 of 4 stars; one submission).

Conditions:
RAI1-related disorder. Also called: RAI1-related condition.

Submission:

PreventionGenetics, part of Exact Sciences
Classification: Uncertain significance for RAI1-related condition. Last evaluated: 2025-02-03. Review status: criteria provided, single submitter. Criteria: ACMG Guidelines, 2015. Collection method: clinical testing. Allele origin: germline.
Comment: The RAI1 c.2584A>G variant is predicted to result in the amino acid substitution p.Lys862Glu. To our knowledge, this variant has not been reported in the literature or in a large population database (gnomAD), indicating this variant is rare. At this time, the clinical significance of this variant is uncertain due to the absence of conclusive functional and genetic evidence.